The following is an entry in ClinVar:

NM_020433.5(JPH2):c.980G>A (p.Gly327Asp)

Gene: JPH2 (junctophilin 2; minus strand). Cytogenetic location: 20q13.12.
Variant type: single nucleotide variant.
Coding change: c.980G>A on transcript NM_020433.5 (MANE Select); coding-DNA position 980, G replaced by A.
Protein change: p.Gly327Asp; replaces glycine 327 with aspartic acid.
Molecular consequence: missense variant.
Genome position (GRCh38, 1-based): chr20:44,159,807, C>T on the plus strand (G>A on the coding strand, the complement: JPH2 is on the minus strand). VCF-style: chr20-44159807-C-T. GRCh37 (hg19) VCF-style: chr20-42788447-C-T.
Other names: short protein forms G327D.
Identifiers: ClinVar variation 4089449 (VCV004089449.1).

ClinVar aggregate classification (germline): Uncertain significance (1 of 4 stars; one submission).

Conditions:
Cardiovascular phenotype. Identifiers: MedGen CN230736.

gnomAD v4.1: 2 of 1,613,334 alleles (0.00012%); highest among the groups gnomAD compares: Non-Finnish European, 0.00017%; no homozygotes.

Submission:

Ambry Genetics
Classification: Uncertain significance for Cardiovascular phenotype. Last evaluated: 2025-07-30. Review status: criteria provided, single submitter. Criteria: Ambry Variant Classification Scheme 2023. Collection method: clinical testing. Allele origin: germline.
Comment: The p.G327D variant (also known as c.980G>A), located in coding exon 2 of the JPH2 gene, results from a G to A substitution at nucleotide position 980. The glycine at codon 327 is replaced by aspartic acid, an amino acid with similar properties. This amino acid position is conserved. In addition, this alteration is predicted to be deleterious by in silico analysis. Based on the available evidence, the clinical significance of this variant remains unclear.